The following is an entry in ClinVar:

NC_000017.10:g.(?_79477716)_(80901020_?)dup

Genes: ACTG1 (actin gamma 1; minus strand), ALYREF (Aly/REF export factor; minus strand), ANAPC11 (anaphase promoting complex subunit 11; plus strand), ARHGDIA (Rho GDP dissociation inhibitor alpha; minus strand), ARL16 (ARF like GTPase 16; minus strand) and 49 more. Cytogenetic location: 17q25.3.
Variant type: Duplication.
Identifiers: ClinVar variation 3243134 (VCV003243134.1).

ClinVar aggregate classification (germline): Uncertain significance (1 of 4 stars; one submission).

Submission:

Labcorp Genetics (formerly Invitae), Labcorp
Classification: Uncertain significance. Last evaluated: 2024-01-14. Review status: criteria provided, single submitter. Criteria: Invitae Variant Classification Sherloc (09022015). Collection method: clinical testing. Allele origin: unknown.
Comment: A copy number gain of the genomic region encompassing the full coding sequence of the FSCN2 gene has been identified. The boundaries of this event are unknown as they extend beyond the assayed region for this gene and therefore may encompass additional genes. As the precise location of this event is unknown, it may be in tandem or it may be located elsewhere in the genome. This variant has not been reported in the literature in individuals affected with FSCN2-related conditions. In summary, the available evidence is currently insufficient to determine the role of this variant in disease. Therefore, it has been classified as a Variant of Uncertain Significance.